The following is an entry in ClinVar:

ClinVar aggregate classification (germline): Conflicting classifications of pathogenicity. Review status: criteria provided, conflicting classifications (1 of 4 stars). 5 submissions from 5 submitters: Uncertain significance (1); Benign (1); Likely benign (2). 1 of the submissions does not count toward it. Last evaluated 2026-01-30.

Conditions:
CUL7-related disorder. Also called: CUL7-related condition.
3M syndrome 1. Also called: 3-M Syndrome, CUL7-Related. Identifiers: Orphanet 2616, MedGen C2678312, MONDO:0010117, OMIM 273750.

Allele frequency attached by ClinVar (database versions not stated): gnomAD exomes 0.00015 and 0.00029; ExAC 0.00036; gnomAD 0.00104 and 0.00107; TOPMed 0.00119; ESP Exome Variant Server 0.00123; 1000 Genomes Project 0.00180; 1000 Genomes Project 30x 0.00219.
gnomAD v4.1: 395 of 1,614,224 alleles (0.024%); highest among the groups gnomAD compares: African/African-American, 0.36%; 2 homozygotes.

Submissions (5):

Labcorp Genetics (formerly Invitae), Labcorp
Classification: Benign. Last evaluated: 2026-01-30. Review status: criteria provided, single submitter. Criteria: Invitae Variant Classification Sherloc (09022015). Collection method: clinical testing. Allele origin: germline.

Blueprint Genetics
Classification: Likely benign. Last evaluated: 2023-03-16. Review status: criteria provided, single submitter. Criteria: ACMG Guidelines, 2015. Collection method: clinical testing. Allele origin: germline.

Illumina Laboratory Services, Illumina
Classification: Likely benign for 3M syndrome 1. Last evaluated: 2018-01-13. Review status: criteria provided, single submitter. Criteria: ICSL Variant Classification Criteria 13 December 2019. Collection method: clinical testing. Allele origin: germline.
Comment: This variant was observed in the ICSL laboratory as part of a predisposition screen in an ostensibly healthy population. It had not been previously curated by ICSL or reported in the Human Gene Mutation Database (HGMD: prior to June 1st, 2018), and was therefore a candidate for classification through an automated scoring system. Utilizing variant allele frequency, disease prevalence and penetrance estimates, and inheritance mode, an automated score was calculated to assess if this variant is too frequent to cause the disease. Based on the score and internal cut-off values, a variant classified as likely benign is not then subjected to further curation. The score for this variant resulted in a classification of likely benign for this disease.

Eurofins Ntd Llc (ga)
Classification: Uncertain significance. Last evaluated: 2016-08-18. Review status: criteria provided, single submitter. Criteria: EGL Classification Definitions 2015. Collection method: clinical testing. Allele origin: germline. Observed: 1 variant allele, 1 heterozygote.

PreventionGenetics, part of Exact Sciences
Classification: Likely benign for CUL7-related condition. Last evaluated: 2019-05-23. Review status: no assertion criteria provided. Collection method: clinical testing. Allele origin: germline. Not counted in ClinVar's aggregate classification.
Comment: This variant is classified as likely benign based on ACMG/AMP sequence variant interpretation guidelines (Richards et al. 2015 PMID: 25741868, with internal and published modifications).

NM_014780.5(CUL7):c.4659G>A (p.Glu1553=)

Gene: CUL7 (cullin 7; minus strand). Cytogenetic location: 6p21.1.
Variant type: single nucleotide variant.
Coding change: c.4659G>A on transcript NM_014780.5 (MANE Select); coding-DNA position 4659, G replaced by A.
Protein change: p.Glu1553=; no amino-acid change (glutamic acid 1553 retained).
Molecular consequence: synonymous variant.
Genome position (GRCh38, 1-based): chr6:43,038,381, C>T on the plus strand (G>A on the coding strand, the complement: CUL7 is on the minus strand). VCF-style: chr6-43038381-C-T. GRCh37 (hg19) VCF-style: chr6-43006119-C-T.
Other names: c.4755G>A, p.Glu1585= (NM_001168370.2, NM_001374872.1); c.4671G>A, p.Glu1557= (NM_001374873.1); c.4656G>A, p.Glu1552= (NM_001374874.1).
Identifiers: ClinVar variation 290743 (VCV000290743.23), dbSNP rs139243761, ClinGen allele CA3813143.
Genomic context (GRCh38, chr6:43,038,381, plus strand): 5'-TCGGACGATGAGGCAGTTCAGAAGATTCCGTCTCTTCTCCAAGTTCTGGCCGTCTTCACC[C>T]TCAGCTTGCAGGTACGTCTGAGGTGGGATGAGCCGCACAATGTCCCATCTCGACCTGGGT-3'
Protein context (NP_055595.2, residues 1543-1563): LIPPQTYLQA[Glu1553=]GEDGQNLEKR